The following is an entry in ClinVar:

ClinVar aggregate classification (germline): Conflicting classifications of pathogenicity. Review status: criteria provided, conflicting classifications (1 of 4 stars). 6 submissions from 6 submitters: Pathogenic (2); Likely pathogenic (1); Uncertain significance (2). 1 of the submissions does not count toward it. Last evaluated 2025-10-08.

Conditions:
Intellectual developmental disorder, autosomal recessive 68. Also called: MENTAL RETARDATION, AUTOSOMAL RECESSIVE 68. Identifiers: MedGen C4749033, MONDO:0032665, OMIM 618302.
Inborn genetic diseases. Identifiers: MedGen C0950123, MeSH D030342.

Allele frequency attached by ClinVar (database versions not stated): gnomAD exomes 0.00004 and 0.00005; TOPMed 0.00004; ExAC 0.00005; gnomAD 0.00003 and 0.00004; ESP Exome Variant Server 0.00015.
gnomAD v4.1: 80 of 1,614,012 alleles (0.005%); highest among the groups gnomAD compares: Admixed American, 0.0083%; no homozygotes.

Submissions (6):

Ambry Genetics
Classification: Pathogenic for Inborn genetic diseases. Last evaluated: 2025-10-08. Review status: criteria provided, single submitter. Criteria: Ambry Variant Classification Scheme 2023. Collection method: clinical testing. Allele origin: germline.
Comment: The c.310+5G>C intronic alteration consists of a G to C substitution 5 nucleotides after exon 2 (coding exon 2) of the TRMT1 gene. Based on data from gnomAD, the C allele has an overall frequency of 0.005% (13/282672) total alleles studied. The highest observed frequency was 0.011% (4/35434) of Latino alleles. This variant has been identified in the homozygous state and/or in conjunction with other TRMT1 variant(s) in individual(s) with features consistent with TRMT1-related neurodevelopmental disorder; in at least one instance, the variants were identified in trans (Efthymiou, 2025; external communication). RNA studies have demonstrated that this alteration results in abnormal splicing in the set of samples tested (Efthymiou, 2025). In silico splice site analysis predicts that this alteration will weaken the native splice donor site. Based on the available evidence, this alteration is classified as pathogenic.

Greenwood Genetic Center Diagnostic Laboratories, Greenwood Genetic Center
Classification: Pathogenic for Intellectual developmental disorder, autosomal recessive 68. Last evaluated: 2025-10-08. Review status: criteria provided, single submitter. Criteria: ACMG Guidelines, 2015. Collection method: clinical testing. Allele origin: germline. Affected: yes.
Comment: PM2, PP3, PS3_Very Strong

GeneDx
Classification: Likely pathogenic. Last evaluated: 2025-01-24. Review status: criteria provided, single submitter. Criteria: GeneDx Variant Classification Process June 2021. Collection method: clinical testing. Allele origin: germline. Affected: yes.
Comment: In silico analysis supports a deleterious effect on splicing; Has not been previously published as pathogenic or benign to our knowledge

Victorian Clinical Genetics Services, Murdoch Childrens Research Institute
Classification: Uncertain significance for Intellectual developmental disorder, autosomal recessive 68. Last evaluated: 2025-01-16. Review status: criteria provided, single submitter. Criteria: ACMG Guidelines, 2015. Collection method: clinical testing. Allele origin: germline. Affected: yes.
Comment: This variant is classified as VUS-3A. Evidence in support of pathogenic classification: Non-canonical splice site variant without proven consequence on splicing (no functional evidence available); Variant is present in gnomAD <0.01 for a recessive condition (v4: 80 heterozygote(s), 0 homozygote(s)); This variant has limited previous evidence of pathogenicity in unrelated individual(s). This variant has been classified as likely pathogenic by diagnostic laboratories in ClinVar; including one VUS classification; Abnormal splicing is predicted by in silico tool and affected nucleotide is highly conserved. Additional information: This variant is heterozygous; This gene is associated with autosomal recessive disease; No published segregation evidence has been identified for this variant; No published functional evidence has been identified for this variant; No comparable splice variants have previous evidence for pathogenicity; Loss of function is a known mechanism of disease in this gene and is associated with intellectual developmental disorder, autosomal recessive 68 (MIM#618302). However, dominant negative has not been ruled out as a mechanism of disease for missense variants.

Women's Health and Genetics/Laboratory Corporation of America, LabCorp
Classification: Uncertain significance. Last evaluated: 2024-07-08. Review status: criteria provided, single submitter. Criteria: LabCorp Variant Classification Summary - May 2015. Collection method: clinical testing. Allele origin: germline.
Comment: Variant summary: TRMT1 c.310+5G>C alters a conserved nucleotide located close to a canonical splice site and therefore could affect mRNA splicing, leading to a significantly altered protein sequence. Several computational tools predict a significant impact on normal splicing: Four predict the variant abolishes a canonical 5' splicing donor site. However, these predictions have yet to be confirmed by functional studies. The variant allele was found at a frequency of 4e-05 in 251280 control chromosomes. This frequency is not significantly higher than estimated for a pathogenic variant in TRMT1 causing Intellectual Developmental Disorder, Autosomal Recessive 68, allowing no conclusion about variant significance. To our knowledge, no occurrence of c.310+5G>C in individuals affected with Intellectual Developmental Disorder, Autosomal Recessive 68 and no experimental evidence demonstrating its impact on protein function have been reported. ClinVar contains an entry for this variant (Variation ID: 1695573). Based on the evidence outlined above, the variant was classified as uncertain significance.

Molecular Genetics laboratory, Necker Hospital
Classification: Likely pathogenic. Last evaluated: 2021-08-05. Review status: no assertion criteria provided. Collection method: clinical testing. Allele origin: biparental. Affected: yes. Not counted in ClinVar's aggregate classification.

Literature cited by the submitters: PubMed 40245862 (cited by Ambry Genetics).

NM_001136035.4(TRMT1):c.310+5G>C

Gene: TRMT1 (tRNA methyltransferase 1; minus strand). Cytogenetic location: 19p13.13.
Variant type: single nucleotide variant.
Coding change: c.310+5G>C on transcript NM_001136035.4 (MANE Select); 5 bases into the intron after coding-DNA position 310, G replaced by C.
Molecular consequence: intron variant.
Genome position (GRCh38, 1-based): chr19:13,115,992, C>G on the plus strand (G>C on the coding strand, the complement: TRMT1 is on the minus strand). VCF-style: chr19-13115992-C-G. GRCh37 (hg19) VCF-style: chr19-13226806-C-G.
Other names: c.202+5G>C (NM_001351761.2); c.310+5G>C (NM_001351760.2, NM_001142554.3, NM_017722.5 and 1 more transcripts); c.-461+5G>C (NM_001351762.2).
Identifiers: ClinVar variation 1695573 (VCV001695573.10), dbSNP rs374273151, ClinGen allele CA9238105.